The following is an entry in ClinVar:

NM_002718.5(PPP2R3A):c.3020G>A (p.Arg1007Gln)

Gene: PPP2R3A (protein phosphatase 2 regulatory subunit B''alpha; plus strand). Cytogenetic location: 3q22.3.
Variant type: single nucleotide variant.
Coding change: c.3020G>A on transcript NM_002718.5 (MANE Select); coding-DNA position 3020, G replaced by A.
Protein change: p.Arg1007Gln; replaces arginine 1007 with glutamine.
Molecular consequence: missense variant.
Genome position (GRCh38, 1-based): chr3:136,102,099, G>A. VCF-style: chr3-136102099-G-A. GRCh37 (hg19) VCF-style: chr3-135820941-G-A.
Other names: c.812G>A, p.Arg271Gln (NM_001190447.2); c.1157G>A, p.Arg386Gln (NM_181897.3); short protein forms R1007Q, R271Q, R386Q.
Identifiers: ClinVar variation 3038534 (VCV003038534.2), dbSNP rs149384978, ClinGen allele CA2631047.
Genomic context (GRCh38, chr3:136,102,099, plus strand): 5'-ATGGAGACGGTGTACTCTCCATGTATGAGCTGGAGTACTTCTATGAGGAGCAGTGTGAAC[G>A]GATGGAAGCCATGGGAATTGAGCCCTTGCCATTCCATGATTTACTGTGCCAGATGCTTGA-3'
Protein context (NP_002709.2, residues 997-1017): LEYFYEEQCE[Arg1007Gln]MEAMGIEPLP

ClinVar aggregate classification (germline): Likely benign (0 of 4 stars; one submission).

Conditions:
PPP2R3A-related disorder. Also called: PPP2R3A-related condition.

Allele frequency attached by ClinVar (database versions not stated): gnomAD exomes 0.00014; ExAC 0.00052; 1000 Genomes Project 0.00100; 1000 Genomes Project 30x 0.00109; TOPMed 0.00135; gnomAD 0.00139; ESP Exome Variant Server 0.00177.
gnomAD v4.1: 413 of 1,614,000 alleles (0.026%); highest among the groups gnomAD compares: African/African-American, 0.47%; 1 homozygote.

Submission:

PreventionGenetics, part of Exact Sciences
Classification: Likely benign for PPP2R3A-related condition. Last evaluated: 2019-08-21. Review status: no assertion criteria provided. Collection method: clinical testing. Allele origin: germline.
Comment: This variant is classified as likely benign based on ACMG/AMP sequence variant interpretation guidelines (Richards et al. 2015 PMID: 25741868, with internal and published modifications).